The following is an entry in ClinVar:

ClinVar aggregate classification (germline): Uncertain significance. Review status: criteria provided, multiple submitters, no conflicts (2 of 4 stars). 2 submissions from 2 submitters: Uncertain significance (2). Last evaluated 2026-01-26.

Conditions:
Baller-Gerold syndrome (BGS). Also called: CRANIOSYNOSTOSIS WITH RADIAL DEFECTS. Identifiers: Orphanet 1225, MedGen C0265308, MONDO:0009039, OMIM 218600.

Allele frequency attached by ClinVar (database versions not stated): gnomAD 0.00001; gnomAD exomes 0.00002 and 0.00005; ExAC 0.00004.
gnomAD v4.1: 66 of 1,612,196 alleles (0.0041%); highest among the groups gnomAD compares: Non-Finnish European, 0.0055%; no homozygotes.

Submissions (2):

Labcorp Genetics (formerly Invitae), Labcorp
Classification: Uncertain significance for Baller-Gerold syndrome. Last evaluated: 2026-01-26. Review status: criteria provided, single submitter. Criteria: Invitae Variant Classification Sherloc (09022015). Collection method: clinical testing. Allele origin: germline.
Comment: This sequence change replaces phenylalanine, which is neutral and non-polar, with valine, which is neutral and non-polar, at codon 1030 of the RECQL4 protein (p.Phe1030Val). This variant is present in population databases (rs759912361, gnomAD 0.005%). This variant has not been reported in the literature in individuals affected with RECQL4-related conditions. ClinVar contains an entry for this variant (Variation ID: 459458). Invitae Evidence Modeling of protein sequence and biophysical properties (such as structural, functional, and spatial information, amino acid conservation, physicochemical variation, residue mobility, and thermodynamic stability) indicates that this missense variant is expected to disrupt RECQL4 protein function with a positive predictive value of 80%. In summary, the available evidence is currently insufficient to determine the role of this variant in disease. Therefore, it has been classified as a Variant of Uncertain Significance.

GeneDx
Classification: Uncertain significance. Last evaluated: 2024-05-23. Review status: criteria provided, single submitter. Criteria: GeneDx Variant Classification Process June 2021. Collection method: clinical testing. Allele origin: germline. Affected: yes.
Comment: Has not been previously published as pathogenic or benign to our knowledge; In silico analysis supports that this missense variant has a deleterious effect on protein structure/function

NM_004260.4(RECQL4):c.3088T>G (p.Phe1030Val)

Gene: RECQL4 (RecQ like helicase 4; minus strand). Cytogenetic location: 8q24.3.
Variant type: single nucleotide variant.
Coding change: c.3088T>G on transcript NM_004260.4 (MANE Select); coding-DNA position 3088, T replaced by G.
Protein change: p.Phe1030Val; replaces phenylalanine 1030 with valine.
Molecular consequence: missense variant.
Genome position (GRCh38, 1-based): chr8:144,512,292, A>C on the plus strand (T>G on the coding strand, the complement: RECQL4 is on the minus strand). VCF-style: chr8-144512292-A-C. GRCh37 (hg19) VCF-style: chr8-145737675-A-C.
Other names: short protein forms F1030V.
Identifiers: ClinVar variation 459458 (VCV000459458.10), dbSNP rs759912361, ClinGen allele CA4947932.